The following is an entry in ClinVar:

ClinVar aggregate classification (germline): Uncertain significance (1 of 4 stars; one submission).

Conditions:
Primary ciliary dyskinesia. Also called: Ciliary dyskinesia. Identifiers: Orphanet 244, MedGen C0008780, MONDO:0016575, HP:0012265.

Allele frequency attached by ClinVar (database versions not stated): gnomAD 0.00001; ExAC 0.00002; gnomAD exomes 0.00002; TOPMed 0.00003.
gnomAD v4.1: 38 of 1,613,802 alleles (0.0024%); highest among the groups gnomAD compares: South Asian, 0.0033%; no homozygotes.

Submission:

Labcorp Genetics (formerly Invitae), Labcorp
Classification: Uncertain significance for Primary ciliary dyskinesia. Last evaluated: 2025-11-27. Review status: criteria provided, single submitter. Criteria: Invitae Variant Classification Sherloc (09022015). Collection method: clinical testing. Allele origin: germline.
Comment: This sequence change replaces arginine, which is basic and polar, with cysteine, which is neutral and slightly polar, at codon 2932 of the DNAH8 protein (p.Arg2932Cys). This variant is present in population databases (rs367945482, gnomAD 0.007%). This variant has not been reported in the literature in individuals affected with DNAH8-related conditions. ClinVar contains an entry for this variant (Variation ID: 1019957). Invitae Evidence Modeling of protein sequence and biophysical properties (such as structural, functional, and spatial information, amino acid conservation, physicochemical variation, residue mobility, and thermodynamic stability) indicates that this missense variant is expected to disrupt DNAH8 protein function with a positive predictive value of 80%. In summary, the available evidence is currently insufficient to determine the role of this variant in disease. Therefore, it has been classified as a Variant of Uncertain Significance.

NM_001206927.2(DNAH8):c.8794C>T (p.Arg2932Cys)

Gene: DNAH8 (dynein axonemal heavy chain 8; plus strand). Cytogenetic location: 6p21.2.
Variant type: single nucleotide variant.
Coding change: c.8794C>T on transcript NM_001206927.2 (MANE Select); coding-DNA position 8794, C replaced by T.
Protein change: p.Arg2932Cys; replaces arginine 2932 with cysteine.
Molecular consequence: missense variant.
Genome position (GRCh38, 1-based): chr6:38,896,079, C>T. VCF-style: chr6-38896079-C-T. GRCh37 (hg19) VCF-style: chr6-38863855-C-T.
Other names: c.8143C>T, p.Arg2715Cys (NM_001371.4); short protein forms R2715C, R2932C.
Identifiers: ClinVar variation 1019957 (VCV001019957.9), dbSNP rs367945482, ClinGen allele CA3790313.
Genomic context (GRCh38, chr6:38,896,079, plus strand): 5'-CATTTTCCTTTCAGATTTATAACTCCTGAAGATGAGCAGTGGTTTAATGCACATCTTACT[C>T]GTGCAGTTGAAGAAAATATTGGCTCTGATGCAGCGTCGTGTATTCTTCCTGAACCATACT-3'
Protein context (NP_001193856.1, residues 2922-2942): DEQWFNAHLT[Arg2932Cys]AVEENIGSDA